The following is an entry in ClinVar:

ClinVar aggregate classification (germline): Uncertain significance. Review status: criteria provided, multiple submitters, no conflicts (2 of 4 stars). 2 submissions from 2 submitters: Uncertain significance (2). Last evaluated 2025-05-31.

Conditions:
Dyskeratosis congenita, autosomal recessive 5 (DKCB5). Identifiers: MedGen C3554656, MONDO:0014076, OMIM 615190.
Pulmonary fibrosis and/or bone marrow failure, Telomere-related, 3. Also called: PULMONARY FIBROSIS AND/OR BONE MARROW FAILURE SYNDROME, TELOMERE-RELATED, 3. Identifiers: Orphanet 2032, MedGen C4225346, MONDO:0014613, OMIM 616373.
Inborn genetic diseases. Identifiers: MedGen C0950123, MeSH D030342.

Allele frequency attached by ClinVar (database versions not stated): ExAC 0.00001.
gnomAD v4.1: 6 of 1,613,224 alleles (0.00037%); highest among the groups gnomAD compares: Middle Eastern, 0.016%; no homozygotes.

Submissions (2):

Ambry Genetics
Classification: Uncertain significance for Inborn genetic diseases. Last evaluated: 2025-05-31. Review status: criteria provided, single submitter. Criteria: Ambry Variant Classification Scheme 2023. Collection method: clinical testing. Allele origin: germline.
Comment: The p.S88F variant (also known as c.263C>T), located in coding exon 2 of the RTEL1 gene, results from a C to T substitution at nucleotide position 263. The serine at codon 88 is replaced by phenylalanine, an amino acid with highly dissimilar properties. This amino acid position is conserved. In addition, this alteration is predicted to be tolerated by in silico analysis. Based on the available evidence, the clinical significance of this variant remains unclear.

Center for Genomics, Ann and Robert H. Lurie Children's Hospital of Chicago
Classification: Uncertain significance for Pulmonary fibrosis and/or bone marrow failure, Telomere-related, 3; Dyskeratosis congenita, autosomal recessive 5. Review status: criteria provided, single submitter. Criteria: ACMG Guidelines, 2015. Collection method: clinical testing. Allele origin: germline.
Comment: RTEL1 NM_032957.4 exon 3 p.Ser88Phe (c.263C>T): This variant has not been reported in the literature but is present in 1/30778 South Asian alleles in the Genome Aggregation Database. Evolutionary conservation and computational predictive tools for this variant are unclear. In summary, data on this variant is insufficient for disease classification. Therefore, the clinical significance of this variant is uncertain.

NM_001283009.2(RTEL1):c.263C>T (p.Ser88Phe)

Genes: RTEL1 (regulator of telomere elongation helicase 1; plus strand), RTEL1-TNFRSF6B (RTEL1-TNFRSF6B readthrough (NMD candidate); plus strand). Cytogenetic location: 20q13.33.
Variant type: single nucleotide variant.
Coding change: c.263C>T on transcript NM_001283009.2 (MANE Select); coding-DNA position 263, C replaced by T.
Protein change: p.Ser88Phe; replaces serine 88 with phenylalanine.
Molecular consequence: missense variant. On other transcripts: non-coding transcript variant (1), 5 prime UTR variant (1).
Genome position (GRCh38, 1-based): chr20:63,661,458, C>T. VCF-style: chr20-63661458-C-T. GRCh37 (hg19) VCF-style: chr20-62292811-C-T.
Other names: c.-407C>T (NM_001283010.1); c.263C>T, p.Ser88Phe (NM_016434.4, NM_032957.5); short protein forms S88F.
Identifiers: ClinVar variation 626160 (VCV000626160.4), dbSNP rs758172246, ClinGen allele CA9964160.